The following is an entry in ClinVar:

NM_006612.6(KIF1C):c.1223C>A (p.Pro408Gln)

Gene: KIF1C (kinesin family member 1C; plus strand). Cytogenetic location: 17p13.2.
Variant type: single nucleotide variant.
Coding change: c.1223C>A on transcript NM_006612.6 (MANE Select); coding-DNA position 1223, C replaced by A.
Protein change: p.Pro408Gln; replaces proline 408 with glutamine.
Molecular consequence: missense variant.
Genome position (GRCh38, 1-based): chr17:5,006,972, C>A. VCF-style: chr17-5006972-C-A. GRCh37 (hg19) VCF-style: chr17-4910267-C-A.
Other names: short protein forms P408Q.
Identifiers: ClinVar variation 1923509 (VCV001923509.5), dbSNP rs2143331334, ClinGen allele CA397348914.
Genomic context (GRCh38, chr17:5,006,972, plus strand): 5'-CAGGCCTGAAGACGGAAGAAGGGAGTGTCAGAGGCGCCCTGCCAGCTGTGTCATCTCCCC[C>A]AGCTCCAGTTTCACCCTCATCACCCACCACACATAATGGGGAGCTGGAGCCGTCATTCTC-3'
Protein context (NP_006603.2, residues 398-418): RGALPAVSSP[Pro408Gln]APVSPSSPTT

ClinVar aggregate classification (germline): Uncertain significance (1 of 4 stars; one submission).

Conditions:
Spastic ataxia 2. Also called: Ataxia, spastic, 2, autosomal recessive. Identifiers: Orphanet 397946, MedGen C1969796, MONDO:0012651, OMIM 611302.

Submission:

Labcorp Genetics (formerly Invitae), Labcorp
Classification: Uncertain significance for Spastic ataxia 2. Last evaluated: 2022-07-25. Review status: criteria provided, single submitter. Criteria: Invitae Variant Classification Sherloc (09022015). Collection method: clinical testing. Allele origin: germline.
Comment: In summary, the available evidence is currently insufficient to determine the role of this variant in disease. Therefore, it has been classified as a Variant of Uncertain Significance. Algorithms developed to predict the effect of missense changes on protein structure and function are either unavailable or do not agree on the potential impact of this missense change (SIFT: "Deleterious"; PolyPhen-2: "Possibly Damaging"; Align-GVGD: "Class C0"). This variant has not been reported in the literature in individuals affected with KIF1C-related conditions. This variant is not present in population databases (gnomAD no frequency). This sequence change replaces proline, which is neutral and non-polar, with glutamine, which is neutral and polar, at codon 408 of the KIF1C protein (p.Pro408Gln).